The following is an entry in ClinVar:

ClinVar aggregate classification (germline): Uncertain significance (1 of 4 stars; one submission).

Submission:

Dasa
Classification: Uncertain significance. Last evaluated: 2025-01-12. Review status: criteria provided, single submitter. Criteria: DASA Assertion Criteria. Collection method: clinical testing. Allele origin: germline.
Comment: NM_004114.5(FGF13):c.79T>C (p.Cys27Arg) is a missense variant that results in the substitution of cysteine with arginine. This variant is absent from population databases. The currently available literature and clinical evidence are not sufficient to establish a definitive association between this variant and the reported condition. Therefore, this variant is classified as a variant of uncertain significance.

NM_004114.5(FGF13):c.79T>C (p.Cys27Arg)

Gene: FGF13 (fibroblast growth factor 13; minus strand). Cytogenetic location: Xq26.3.
Variant type: single nucleotide variant.
Coding change: c.79T>C on transcript NM_004114.5 (MANE Select); coding-DNA position 79, T replaced by C.
Protein change: p.Cys27Arg; replaces cysteine 27 with arginine.
Molecular consequence: missense variant. On other transcripts: intron variant (5).
Genome position (GRCh38, 1-based): chrX:138,710,925, A>G on the plus strand (T>C on the coding strand, the complement: FGF13 is on the minus strand). VCF-style: chrX-138710925-A-G. GRCh37 (hg19) VCF-style: chrX-137793087-A-G.
Other names: c.50-1997T>C (NM_001139498.2); c.218-1997T>C (NM_001139500.2); c.131-1997T>C (NM_001139501.2, NM_001139502.2); c.29-1997T>C (NM_033642.3); short protein forms C27R.
Identifiers: ClinVar variation 4882253 (VCV004882253.2).